The following is an entry in ClinVar:

ClinVar aggregate classification (germline): Uncertain significance (1 of 4 stars; one submission).

Submission:

GeneDx
Classification: Uncertain significance. Last evaluated: 2025-06-11. Review status: criteria provided, single submitter. Criteria: GeneDx Variant Classification Process June 2021. Collection method: clinical testing. Allele origin: germline. Affected: yes.
Comment: Not observed at significant frequency in large population cohorts (gnomAD); In silico analysis supports that this missense variant has a deleterious effect on protein structure/function; Has not been previously published as pathogenic or benign to our knowledge

NM_001080517.3(SETD5):c.3974C>T (p.Pro1325Leu)

Gene: SETD5 (SET domain containing 5; plus strand). Cytogenetic location: 3p25.3.
Variant type: single nucleotide variant.
Coding change: c.3974C>T on transcript NM_001080517.3 (MANE Select); coding-DNA position 3974, C replaced by T.
Protein change: p.Pro1325Leu; replaces proline 1325 with leucine.
Molecular consequence: missense variant.
Genome position (GRCh38, 1-based): chr3:9,475,736, C>T. VCF-style: chr3-9475736-C-T. GRCh37 (hg19) VCF-style: chr3-9517420-C-T.
Other names: c.3680C>T, p.Pro1227Leu (NM_001292043.2, NM_001349451.2); c.4070C>T, p.Pro1357Leu (NM_001437633.1); c.4088C>T, p.Pro1363Leu (NM_001437635.1); c.4031C>T, p.Pro1344Leu (NM_001437643.1); c.4013C>T, p.Pro1338Leu (NM_001437701.1); short protein forms P1227L, P1325L, P1338L, P1344L, P1357L, P1363L.
Identifiers: ClinVar variation 4537622 (VCV004537622.1).